The following is an entry in ClinVar:

NM_001029883.3(PCARE):c.2655del (p.Ser885_Val886insTer)

Gene: PCARE (photoreceptor cilium actin regulator; minus strand). Cytogenetic location: 2p23.2.
Variant type: Deletion.
Coding change: c.2655del on transcript NM_001029883.3 (MANE Select); coding-DNA position 2655, one base deleted (T; older notation c.2655delT).
Protein change: p.Ser885_Val886insTer.
Molecular consequence: frameshift variant.
Genome position (GRCh38, 1-based): chr2:29,071,607, A deleted on the plus strand (T on the coding strand, the reverse complement: PCARE is on the minus strand). VCF-style (leftmost placement, unchanged base first): chr2-29071606-CA-C. GRCh37 (hg19) VCF-style: chr2-29294472-CA-C.
Identifiers: ClinVar variation 1921676 (VCV001921676.5), dbSNP rs1276364757, ClinGen allele CA531766663.

ClinVar aggregate classification (germline): Pathogenic (1 of 4 stars; one submission).

Allele frequency attached by ClinVar (database versions not stated): gnomAD exomes below 0.00001; gnomAD 0.00001; TOPMed 0.00001.

Submission:

Labcorp Genetics (formerly Invitae), Labcorp
Classification: Pathogenic. Last evaluated: 2022-03-15. Review status: criteria provided, single submitter. Criteria: Invitae Variant Classification Sherloc (09022015). Collection method: clinical testing. Allele origin: germline.
Comment: This sequence change creates a premature translational stop signal (p.Val886*) in the PCARE gene. It is expected to result in an absent or disrupted protein product. Loss-of-function variants in PCARE are known to be pathogenic (PMID: 20398886, 24339724, 26496393). This variant is present in population databases (no rsID available, gnomAD 0.01%). This variant has not been reported in the literature in individuals affected with PCARE-related conditions. For these reasons, this variant has been classified as Pathogenic.

Literature cited by the submitters: PubMed 20398886; PubMed 24339724; PubMed 26496393.